The following is an entry in ClinVar:

NM_000937.5(POLR2A):c.4817G>T (p.Gly1606Val)

Gene: POLR2A (RNA polymerase II subunit A; plus strand). Cytogenetic location: 17p13.1.
Variant type: single nucleotide variant.
Coding change: c.4817G>T on transcript NM_000937.5 (MANE Select); coding-DNA position 4817, G replaced by T.
Protein change: p.Gly1606Val; replaces glycine 1606 with valine.
Molecular consequence: missense variant.
Genome position (GRCh38, 1-based): chr17:7,513,081, G>T. VCF-style: chr17-7513081-G-T. GRCh37 (hg19) VCF-style: chr17-7416400-G-T.
Other names: short protein forms G1606V.
Identifiers: ClinVar variation 3347465 (VCV003347465.2).
Genomic context (GRCh38, chr17:7,513,081, plus strand): 5'-GTGGTGCCATGTCTCCCAGCTACTCGCCAACGTCACCTGCCTACGAGCCCCGCTCTCCTG[G>T]GGGCTACACACCCCAGAGTCCCTCTTATTCCCCCACTTCACCCTCCTACTCCCCTACCTC-3'
Protein context (NP_000928.1, residues 1596-1616): TSPAYEPRSP[Gly1606Val]GYTPQSPSYS

ClinVar aggregate classification (germline): Uncertain significance (1 of 4 stars; one submission).

Conditions:
POLR2A-related disorder. Also called: POLR2A-related condition.

Submission:

PreventionGenetics, part of Exact Sciences
Classification: Uncertain significance for POLR2A-related condition. Last evaluated: 2026-01-23. Review status: criteria provided, single submitter. Criteria: ACMG Guidelines, 2015. Collection method: clinical testing. Allele origin: germline.
Comment: The POLR2A c.4817G>T variant is predicted to result in the amino acid substitution p.Gly1606Val. To our knowledge, this variant has not been reported in the literature or in a large population database (gnomAD), indicating this variant is rare. At this time, the clinical significance of this variant is uncertain due to the absence of conclusive functional and genetic evidence.